The following is an entry in ClinVar:

ClinVar aggregate classification (germline): Benign/Likely benign. Review status: criteria provided, multiple submitters, no conflicts (2 of 4 stars). 7 submissions from 7 submitters: Benign (1); Likely benign (4). 2 of the submissions do not count toward it. Last evaluated 2025-03-17.

Conditions:
Hereditary cancer-predisposing syndrome. Also called: Neoplastic Syndromes, Hereditary; Tumor predisposition; Hereditary Cancer Syndrome; Hereditary neoplastic syndrome. Identifiers: Orphanet 140162, MedGen C0027672, MeSH D009386, MONDO:0015356.
Lynch syndrome 5 (LYNCH5). Also called: Colorectal cancer, hereditary nonpolyposis, type 5; Hereditary non-polyposis colorectal cancer, type 5. Identifiers: Orphanet 144, MedGen C1833477, MONDO:0013710, OMIM 614350. Disease mechanism: loss of function.
MSH6-related disorder. Also called: MSH6-related condition; MSH6-Related disorders.
Hereditary nonpolyposis colorectal neoplasms. Identifiers: MedGen C0009405, MeSH D003123.

Allele frequency attached by ClinVar (database versions not stated): gnomAD exomes below 0.00001.
gnomAD v4.1: 2 of 1,614,112 alleles (0.00012%); highest among the groups gnomAD compares: East Asian, 0.0022%; no homozygotes.

Submissions (7):

Labcorp Genetics (formerly Invitae), Labcorp
Classification: Likely benign for Hereditary nonpolyposis colorectal neoplasms. Last evaluated: 2025-03-17. Review status: criteria provided, single submitter. Criteria: Invitae Variant Classification Sherloc (09022015). Collection method: clinical testing. Allele origin: germline.

Myriad Genetics, Inc.
Classification: Benign for Lynch syndrome 5. Last evaluated: 2025-01-02. Review status: criteria provided, single submitter. Criteria: Myriad Autosomal Dominant, Autosomal Recessive and X-Linked Classification Criteria (2023). Collection method: clinical testing. Allele origin: unknown.
Comment: This variant is considered benign. This variant is a silent/synonymous amino acid change and it is not expected to impact splicing.

Women's Health and Genetics/Laboratory Corporation of America, LabCorp
Classification: Likely benign. Last evaluated: 2022-05-26. Review status: criteria provided, single submitter. Criteria: LabCorp Variant Classification Summary - May 2015. Collection method: clinical testing. Allele origin: germline.

Color Diagnostics, LLC DBA Color Health
Classification: Likely benign for Hereditary cancer-predisposing syndrome. Last evaluated: 2022-04-18. Review status: criteria provided, single submitter. Criteria: ACMG Guidelines, 2015. Collection method: clinical testing. Allele origin: germline.

Ambry Genetics
Classification: Likely benign for Hereditary cancer-predisposing syndrome. Last evaluated: 2015-03-26. Review status: criteria provided, single submitter. Criteria: Ambry Variant Classification Scheme 2023. Collection method: clinical testing. Allele origin: germline.

PreventionGenetics, part of Exact Sciences
Classification: Likely benign for MSH6-related condition. Last evaluated: 2024-06-07. Review status: no assertion criteria provided. Collection method: clinical testing. Allele origin: germline. Not counted in ClinVar's aggregate classification.
Comment: This variant is classified as likely benign based on ACMG/AMP sequence variant interpretation guidelines (Richards et al. 2015 PMID: 25741868, with internal and published modifications).

Mayo Clinic Laboratories, Mayo Clinic
Classification: Likely benign. Review status: no assertion criteria provided. Collection method: clinical testing. Allele origin: unknown. Not counted in ClinVar's aggregate classification.

NM_000179.3(MSH6):c.2745C>G (p.Ala915=)

Gene: MSH6 (mutS homolog 6; plus strand). Cytogenetic location: 2p16.3.
Variant type: single nucleotide variant.
Coding change: c.2745C>G on transcript NM_000179.3 (MANE Select); coding-DNA position 2745, C replaced by G.
Protein change: p.Ala915=; no amino-acid change (alanine 915 retained).
Molecular consequence: synonymous variant.
Genome position (GRCh38, 1-based): chr2:47,800,728, C>G. VCF-style: chr2-47800728-C-G. GRCh37 (hg19) VCF-style: chr2-48027867-C-G.
Other names: c.2355C>G, p.Ala785= (NM_001281492.2); c.1839C>G, p.Ala613= (NM_001281493.2, NM_001281494.2).
Identifiers: ClinVar variation 231018 (VCV000231018.23), dbSNP rs876658904, ClinGen allele CA10578116.
Genomic context (GRCh38, chr2:47,800,728, plus strand): 5'-AAAAAATCCTGAAGGTCGTTTTCCTGATTTGACTGTAGAATTGAACCGATGGGATACAGC[C>G]TTTGACCATGAAAAGGCTCGAAAGACTGGACTTATTACTCCCAAAGCAGGCTTTGACTCT-3'
Protein context (NP_000170.1, residues 905-925): LTVELNRWDT[Ala915=]FDHEKARKTG